The following is an entry in ClinVar:

ClinVar aggregate classification (germline): Uncertain significance (1 of 4 stars; one submission).

Conditions:
Severe X-linked myotubular myopathy (CNMX). Also called: MYOTUBULAR MYOPATHY 1; X-linked centronuclear myopathy; Myotubular myopathy, X-linked. Identifiers: Orphanet 596, MedGen C0410203, MONDO:0010683, OMIM 310400.

Submission:

Labcorp Genetics (formerly Invitae), Labcorp
Classification: Uncertain significance for Severe X-linked myotubular myopathy. Last evaluated: 2019-03-14. Review status: criteria provided, single submitter. Criteria: Invitae Variant Classification Sherloc (09022015). Collection method: clinical testing. Allele origin: germline.
Comment: In summary, the available evidence is currently insufficient to determine the role of this variant in disease. Therefore, it has been classified as a Variant of Uncertain Significance. Nucleotide substitutions within the consensus splice site are a relatively common cause of aberrant splicing (PMID: 17576681, 9536098). Algorithms developed to predict the effect of sequence changes on RNA splicing suggest that this variant may disrupt the consensus splice site, but this prediction has not been confirmed by published transcriptional studies. This variant has not been reported in the literature in individuals with MTM1-related conditions. This variant is not present in population databases (ExAC no frequency). This sequence change falls in intron 8 of the MTM1 gene. It does not directly change the encoded amino acid sequence of the MTM1 protein, but it affects a nucleotide within the consensus splice site of the intron.

Literature cited by the submitters: PubMed 17576681; PubMed 9536098.

NM_000252.3(MTM1):c.678+6T>A

Gene: MTM1 (myotubularin 1; plus strand). Cytogenetic location: Xq28.
Variant type: single nucleotide variant.
Coding change: c.678+6T>A on transcript NM_000252.3 (MANE Select); 6 bases into the intron after coding-DNA position 678, T replaced by A.
Molecular consequence: intron variant.
Genome position (GRCh38, 1-based): chrX:150,641,424, T>A. VCF-style: chrX-150641424-T-A. GRCh37 (hg19) VCF-style: chrX-149809897-T-A.
Other names: c.678+6T>A (NM_001376908.1, NM_001376906.1); c.567+6T>A (NM_001376907.1).
Identifiers: ClinVar variation 853487 (VCV000853487.10), dbSNP rs2039847628, ClinGen allele CA916082510.